The following is an entry in ClinVar:

ClinVar aggregate classification (germline): Uncertain significance (1 of 4 stars; one submission).

Allele frequency attached by ClinVar (database versions not stated): gnomAD exomes below 0.00001.
gnomAD v4.1: 2 of 1,603,506 alleles (0.00012%); highest among the groups gnomAD compares: South Asian, 0.0011%; no homozygotes.

Submission:

Labcorp Genetics (formerly Invitae), Labcorp
Classification: Uncertain significance. Last evaluated: 2019-09-26. Review status: criteria provided, single submitter. Criteria: Invitae Variant Classification Sherloc (09022015). Collection method: clinical testing. Allele origin: germline.
Comment: In summary, the available evidence is currently insufficient to determine the role of this variant in disease. Therefore, it has been classified as a Variant of Uncertain Significance. Algorithms developed to predict the effect of missense changes on protein structure and function output the following: SIFT: "Not Available"; PolyPhen-2: "Benign"; Align-GVGD: "Class C0". The methionine amino acid residue is found in multiple mammalian species, suggesting that this missense change does not adversely affect protein function. These predictions have not been confirmed by published functional studies and their clinical significance is uncertain. This variant has not been reported in the literature in individuals with FSCN2-related conditions. This variant is not present in population databases (ExAC no frequency). This sequence change replaces valine with methionine at codon 380 of the FSCN2 protein (p.Val380Met). The valine residue is weakly conserved and there is a small physicochemical difference between valine and methionine.

NM_012418.4(FSCN2):c.1106-40G>A

Gene: FSCN2 (fascin actin-bundling protein 2, retinal; plus strand). Cytogenetic location: 17q25.3.
Variant type: single nucleotide variant.
Coding change: c.1106-40G>A on transcript NM_012418.4 (MANE Select); 40 bases into the intron before coding-DNA position 1106, G replaced by A.
Molecular consequence: intron variant. On other transcripts: missense variant (1).
Genome position (GRCh38, 1-based): chr17:81,536,582, G>A. VCF-style: chr17-81536582-G-A. GRCh37 (hg19) VCF-style: chr17-79503608-G-A.
Other names: c.1138G>A, p.Val380Met (NM_001077182.3); short protein forms V380M.
Identifiers: ClinVar variation 958689 (VCV000958689.9), dbSNP rs2032885061, ClinGen allele CA401477395.
Genomic context (GRCh38, chr17:81,536,582, plus strand): 5'-CCCTAAGTCCAGGTGTGGCGTTTCCCAGGGCCCCCACCCCGCCCGGCCTGGACAGGGAAG[G>A]TGGCGGGAGGGGCAGCGCAGCAGACGCTCTCCCCGCCAGGCAAGGACGAAGAGTTCACCC-3'